The following is an entry in ClinVar:

ClinVar aggregate classification (germline): Benign. Review status: criteria provided, multiple submitters, no conflicts (2 of 4 stars). 6 submissions from 6 submitters: Benign (6). Last evaluated 2026-02-04.

Conditions:
FLNB-Related Spectrum Disorders.

Allele frequency attached by ClinVar (database versions not stated): gnomAD exomes 0.37779 and 0.46888; ESP Exome Variant Server 0.39513; gnomAD 0.42973 and 0.44232; TOPMed 0.46142; ExAC 0.46473; 1000 Genomes Project 30x 0.64022; 1000 Genomes Project 0.64197.
gnomAD v4.1: 620,805 of 1,612,054 alleles (39%); highest among the groups gnomAD compares: East Asian, 98%; 135,703 homozygotes.

Submissions (6):

Labcorp Genetics (formerly Invitae), Labcorp
Classification: Benign. Last evaluated: 2026-02-04. Review status: criteria provided, single submitter. Criteria: Invitae Variant Classification Sherloc (09022015). Collection method: clinical testing. Allele origin: germline.

Blueprint Genetics
Classification: Benign. Last evaluated: 2024-11-26. Review status: criteria provided, single submitter. Criteria: ACMG Guidelines, 2015. Collection method: clinical testing. Allele origin: germline.

Illumina Laboratory Services, Illumina
Classification: Benign for FLNB-Related Spectrum Disorders. Last evaluated: 2018-01-13. Review status: criteria provided, single submitter. Criteria: ICSL Variant Classification Criteria 13 December 2019. Collection method: clinical testing. Allele origin: germline.
Comment: This variant was observed in the ICSL laboratory as part of a predisposition screen in an ostensibly healthy population. It had not been previously curated by ICSL or reported in the Human Gene Mutation Database (HGMD: prior to June 1st, 2018), and was therefore a candidate for classification through an automated scoring system. Utilizing variant allele frequency, disease prevalence and penetrance estimates, and inheritance mode, an automated score was calculated to assess if this variant is too frequent to cause the disease. Based on the score and internal cut-off values, a variant classified as benign is not then subjected to further curation. The score for this variant resulted in a classification of benign for this disease.

GeneDx
Classification: Benign. Last evaluated: 2016-03-29. Review status: criteria provided, single submitter. Criteria: GeneDx Variant Classification (06012015). Collection method: clinical testing. Allele origin: germline. Affected: yes.
Comment: This variant is considered likely benign or benign based on one or more of the following criteria: it is a conservative change, it occurs at a poorly conserved position in the protein, it is predicted to be benign by multiple in silico algorithms, and/or has population frequency not consistent with disease.

Breakthrough Genomics
Classification: Benign. Review status: criteria provided, single submitter. Criteria: ACMG Guidelines, 2015. Collection method: not provided. Allele origin: germline. Inheritance: Autosomal recessive inheritance. Affected: yes.

PreventionGenetics, part of Exact Sciences
Classification: Benign. Review status: criteria provided, single submitter. Criteria: ACMG Guidelines, 2015. Collection method: clinical testing. Allele origin: germline.

NM_001457.4(FLNB):c.927T>C (p.Ser309=)

Gene: FLNB (filamin B; plus strand). Cytogenetic location: 3p14.3.
Variant type: single nucleotide variant.
Coding change: c.927T>C on transcript NM_001457.4 (MANE Select); coding-DNA position 927, T replaced by C.
Protein change: p.Ser309=; no amino-acid change (serine 309 retained).
Molecular consequence: synonymous variant.
Genome position (GRCh38, 1-based): chr3:58,096,161, T>C. VCF-style: chr3-58096161-T-C. GRCh37 (hg19) VCF-style: chr3-58081888-T-C.
Other names: c.927T>C, p.Ser309= (NM_001164317.2, NM_001164318.2, NM_001164319.2).
Identifiers: ClinVar variation 258123 (VCV000258123.15), dbSNP rs1522384, ClinGen allele CA2467669.